The following is an entry in ClinVar:

NM_030662.4(MAP2K2):c.985-7_985-5del

Gene: MAP2K2 (mitogen-activated protein kinase kinase 2; minus strand). Cytogenetic location: 19p13.3.
Variant type: Microsatellite.
Coding change: c.985-7_985-5del on transcript NM_030662.4 (MANE Select); 7 bases into the intron before coding-DNA position 985 through 5 bases into the intron before coding-DNA position 985, 3 bases deleted (TCC; older notation c.985-7_985-5delTCC).
Molecular consequence: intron variant.
Genome position (GRCh38, 1-based): chr19:4,095,454-4,095,456, GGA deleted on the plus strand (TCC on the coding strand, the reverse complement: MAP2K2 is on the minus strand); deleting any 3 consecutive bases within chr19:4,095,454-4,095,460 gives the same sequence; the c. name uses the placement nearest the transcript's 3' end. VCF-style (leftmost placement, unchanged base first): chr19-4095453-TGGA-T. GRCh37 (hg19) VCF-style: chr19-4095451-TGGA-T.
Other names: c.985-7_985-5delTCC (NM_030662.4); c.985-7_985-5del (NM_030662.3).
Identifiers: ClinVar variation 704380 (VCV000704380.14), dbSNP rs753469223, ClinGen allele CA9090728.

ClinVar aggregate classification (germline): Likely benign. Review status: criteria provided, multiple submitters, no conflicts (2 of 4 stars). 3 submissions from 3 submitters: Likely benign (3). Last evaluated 2025-04-25.

Conditions:
RASopathy. Also called: rasopathies; Noonan spectrum disorder. Identifiers: Orphanet 536391, MedGen C5555857, MONDO:0021060.

Submissions (3):

Women's Health and Genetics/Laboratory Corporation of America, LabCorp
Classification: Likely benign. Last evaluated: 2025-04-25. Review status: criteria provided, single submitter. Criteria: LabCorp Variant Classification Summary - May 2015. Collection method: clinical testing. Allele origin: germline.
Comment: Variant summary: MAP2K2 c.985-7_985-5delTCC alters a nucleotide located at a position not widely known to affect splicing. Consensus agreement among computation tools predict no significant impact on normal splicing. However, these predictions have yet to be confirmed by functional studies. The variant allele was found at a frequency of 3.2e-05 in 156342 control chromosomes. The available data on variant occurrences in the general population are insufficient to allow any conclusion about variant significance. To our knowledge, no occurrence of c.985-7_985-5delTCC in individuals affected with Cardiofaciocutaneous Syndrome and no experimental evidence demonstrating its impact on protein function have been reported. ClinVar contains an entry for this variant (Variation ID: 704380). Based on the evidence outlined above, the variant was classified as likely benign.

Labcorp Genetics (formerly Invitae), Labcorp
Classification: Likely benign for RASopathy. Last evaluated: 2025-04-24. Review status: criteria provided, single submitter. Criteria: Invitae Variant Classification Sherloc (09022015). Collection method: clinical testing. Allele origin: germline.

Blueprint Genetics
Classification: Likely benign. Last evaluated: 2024-08-23. Review status: criteria provided, single submitter. Criteria: ACMG Guidelines, 2015. Collection method: clinical testing. Allele origin: germline.